The following is an entry in ClinVar:

ClinVar aggregate classification (germline): Uncertain significance. Review status: criteria provided, multiple submitters, no conflicts (2 of 4 stars). 2 submissions from 2 submitters: Uncertain significance (2). Last evaluated 2024-06-15.

Allele frequency attached by ClinVar (database versions not stated): gnomAD exomes below 0.00001; TOPMed below 0.00001; ExAC 0.00002.

Submissions (3):

Ambry Genetics
Classification: Uncertain significance. Last evaluated: 2024-06-15. Review status: criteria provided, single submitter. Criteria: Ambry Variant Classification Scheme 2023. Collection method: clinical testing. Allele origin: germline.
Comment: The c.1886+5G>A intronic variant results from a G to A substitution 5 nucleotides after coding exon 12 in the RINT1 gene. This nucleotide position is poorly conserved in available vertebrate species. In silico splice site analysis predicts that this alteration will result in the creation or strengthening of a novel splice donor site. The evidence for this gene-disease relationship is limited; therefore, the clinical significance of this alteration is unclear.

Labcorp Genetics (formerly Invitae), Labcorp
Classification: Uncertain significance. Last evaluated: 2022-08-03. Review status: criteria provided, single submitter. Criteria: Invitae Variant Classification Sherloc (09022015). Collection method: clinical testing. Allele origin: germline.
Comment: This sequence change falls in intron 12 of the RINT1 gene. It does not directly change the encoded amino acid sequence of the RINT1 protein. It affects a nucleotide within the consensus splice site. This variant is present in population databases (rs775416861, gnomAD 0.003%). This variant has not been reported in the literature in individuals affected with RINT1-related conditions. Variants that disrupt the consensus splice site are a relatively common cause of aberrant splicing (PMID: 17576681, 9536098). Algorithms developed to predict the effect of sequence changes on RNA splicing suggest that this variant may create or strengthen a splice site. In summary, the available evidence is currently insufficient to determine the role of this variant in disease. Therefore, it has been classified as a Variant of Uncertain Significance.

Dr. Peter K. Rogan Lab, Western University
No classification provided (evidence only). Condition: Malignant tumor of esophagus. Review status: no classification provided. Collection method: in vitro. Allele origin: not applicable. Functional consequence: skipped exon, retained intron. Not counted in ClinVar's aggregate classification.

Literature cited by the submitters: PubMed 17576681 (cited by Labcorp Genetics (formerly Invitae), Labcorp); PubMed 9536098 (cited by Labcorp Genetics (formerly Invitae), Labcorp).

NM_021930.6(RINT1):c.1886+5G>A

Gene: RINT1 (RAD50 interactor 1; plus strand). Cytogenetic location: 7q22.3.
Variant type: single nucleotide variant.
Coding change: c.1886+5G>A on transcript NM_021930.6 (MANE Select); 5 bases into the intron after coding-DNA position 1886, G replaced by A.
Molecular consequence: intron variant.
Genome position (GRCh38, 1-based): chr7:105,563,952, G>A. VCF-style: chr7-105563952-G-A. GRCh37 (hg19) VCF-style: chr7-105204399-G-A.
Other names: c.863+5G>A (NM_001346600.2, NM_001346603.2); c.962+5G>A (NM_001346601.2); c.1652+5G>A (NM_001346599.2); c.1886+5G>A (NM_021930.4).
Identifiers: ClinVar variation 1984300 (VCV001984300.6), dbSNP rs775416861, ClinGen allele CA4426787.